The following is an entry in ClinVar:

ClinVar aggregate classification (germline): Uncertain significance (1 of 4 stars; one submission).

Submission:

GeneDx
Classification: Uncertain significance. Last evaluated: 2014-02-06. Review status: criteria provided, single submitter. Criteria: GeneDx Variant Classification (06012015). Collection method: clinical testing. Allele origin: germline. Affected: yes.
Comment: This variant is denoted CHEK2 c.973A>C at the cDNA level, p.Lys325Gln (K325Q) at the protein level, and results in the change of a Lysine to a Glutamine (AAG>CAG). This variant has not, to our knowledge, been published in the literature as pathogenic or benign. CHEK2 Lys325Gln was not observed in approximately 6,500 individuals of European and African American ancestry in the NHLBI Exome Sequencing Project, indicating it is not a common benign variant in these populations. This variant is a semi-conservative substitution in which a positive polar amino acid is replaced with a neutral polar one, altering a position that is fully conserved throughout evolution and is located within the protein kinase domain (UniProt). Multiple in silico algorithms predict that this variant may be damaging to protein structure and function. Based on currently available information, it is unclear whether CHEK2 Lys325Gln is pathogenic or benign. We consider it to be a variant of uncertain significance.

NM_007194.4(CHEK2):c.973A>C (p.Lys325Gln)

Gene: CHEK2 (checkpoint kinase 2; minus strand). Cytogenetic location: 22q12.1.
Variant type: single nucleotide variant.
Coding change: c.973A>C on transcript NM_007194.4 (MANE Select); coding-DNA position 973, A replaced by C.
Protein change: p.Lys325Gln; replaces lysine 325 with glutamine.
Molecular consequence: missense variant.
Genome position (GRCh38, 1-based): chr22:28,699,873, T>G on the plus strand (A>C on the coding strand, the complement: CHEK2 is on the minus strand). VCF-style: chr22-28699873-T-G. GRCh37 (hg19) VCF-style: chr22-29095861-T-G.
Other names: p.K325Q:AAG>CAG; c.1102A>C, p.Lys368Gln (NM_001005735.3); c.310A>C, p.Lys104Gln (NM_001257387.3); c.772A>C, p.Lys258Gln (NM_001349956.3); c.973A>C, p.Lys325Gln (NM_145862.3); short protein forms K325Q, K258Q, K104Q, K368Q.
Identifiers: ClinVar variation 128091 (VCV000128091.2), dbSNP rs587780193, ClinGen allele CA288335.